The following is an entry in ClinVar:

NM_001139498.2(FGF13):c.50-148734_50-148730delinsGCTGA

Gene: FGF13 (fibroblast growth factor 13; minus strand). Cytogenetic location: Xq26.3.
Variant type: Indel.
Coding change: c.50-148734_50-148730delinsGCTGA on transcript NM_001139498.2; 148734 bases into the intron before coding-DNA position 50 through 148730 bases into the intron before coding-DNA position 50, CCTGG replaced by GCTGA.
Molecular consequence: intron variant. On other transcripts: missense variant (1), 5 prime UTR variant (2).
Genome position (GRCh38, 1-based): chrX:138,857,658-138,857,662, CCAGG replaced by TCAGC on the plus strand (CCTGG replaced by GCTGA on the coding strand, the reverse complement: FGF13 is on the minus strand). VCF-style: chrX-138857658-CCAGG-TCAGC. GRCh37 (hg19) VCF-style: chrX-137939820-CCAGG-TCAGC.
Other names: c.67_71delinsGCTGA, p.Pro23_Gly24delinsAlaAsp (NM_001139500.2); c.-21_-17delinsGCTGA (NM_001139501.2, NM_001139502.2).
Identifiers: ClinVar variation 3375506 (VCV003375506.1).

ClinVar aggregate classification (germline): Uncertain significance (1 of 4 stars; one submission).

Submission:

GeneDx
Classification: Uncertain significance. Last evaluated: 2024-05-08. Review status: criteria provided, single submitter. Criteria: GeneDx Variant Classification Process June 2021. Collection method: clinical testing. Allele origin: germline. Affected: yes.
Comment: Not observed at significant frequency in large population cohorts (gnomAD); In silico analysis supports a deleterious effect on protein structure/function; Reported using an alternate transcript of the gene; In-frame deletion and insertion of 2 amino acids in NM_001139500.1; Has not been previously published as pathogenic or benign to our knowledge